The following is an entry in ClinVar:

NM_002541.4(OGDH):c.2988C>T (p.Thr996=)

Gene: OGDH (oxoglutarate dehydrogenase; plus strand). Cytogenetic location: 7p13.
Variant type: single nucleotide variant.
Coding change: c.2988C>T on transcript NM_002541.4 (MANE Select); coding-DNA position 2988, C replaced by T.
Protein change: p.Thr996=; no amino-acid change (threonine 996 retained).
Molecular consequence: synonymous variant.
Genome position (GRCh38, 1-based): chr7:44,707,915, C>T. VCF-style: chr7-44707915-C-T. GRCh37 (hg19) VCF-style: chr7-44747514-C-T.
Other names: c.3021C>T (NM_001363523.1); c.2976C>T, p.Thr992= (NM_001165036.2); c.3021C>T, p.Thr1007= (NM_001363523.2).
Identifiers: ClinVar variation 559274 (VCV000559274.14), dbSNP rs61756583, ClinGen allele CA4244274.

ClinVar aggregate classification (germline): Benign. Review status: criteria provided, single submitter (1 of 4 stars). 3 submissions from 3 submitters: Benign (1). 2 of the submissions do not count toward it. Last evaluated 2026-02-02.

Conditions:
OGDH-related disorder. Also called: OGDH-related condition.
Oxoglutaricaciduria. Identifiers: Orphanet 31, MedGen C2752074, MONDO:0008759, OMIM 203740.

Allele frequency attached by ClinVar (database versions not stated): gnomAD 0.03821; TOPMed 0.03900; ESP Exome Variant Server 0.04014; 1000 Genomes Project 30x 0.04653; 1000 Genomes Project 0.04673.
gnomAD v4.1: 77,543 of 1,613,708 alleles (4.8%); highest among the groups gnomAD compares: Middle Eastern, 9.6%; 2,146 homozygotes.

Submissions (3):

Labcorp Genetics (formerly Invitae), Labcorp
Classification: Benign for Oxoglutaricaciduria. Last evaluated: 2026-02-02. Review status: criteria provided, single submitter. Criteria: Invitae Variant Classification Sherloc (09022015). Collection method: clinical testing. Allele origin: germline.

PreventionGenetics, part of Exact Sciences
Classification: Benign for OGDH-related condition. Last evaluated: 2019-12-12. Review status: no assertion criteria provided. Collection method: clinical testing. Allele origin: germline. Not counted in ClinVar's aggregate classification.
Comment: This variant is classified as benign based on ACMG/AMP sequence variant interpretation guidelines (Richards et al. 2015 PMID: 25741868, with internal and published modifications).

Mayo Clinic Laboratories, Mayo Clinic
Classification: Benign. Last evaluated: 2016-02-22. Review status: no assertion criteria provided. Collection method: clinical testing. Allele origin: unknown. Not counted in ClinVar's aggregate classification.